The following is an entry in ClinVar:

NM_001035.3(RYR2):c.5925G>A (p.Met1975Ile)

Gene: RYR2 (ryanodine receptor 2; plus strand). Cytogenetic location: 1q43.
Variant type: single nucleotide variant.
Coding change: c.5925G>A on transcript NM_001035.3 (MANE Select); coding-DNA position 5925, G replaced by A.
Protein change: p.Met1975Ile; replaces methionine 1975 with isoleucine.
Molecular consequence: missense variant.
Genome position (GRCh38, 1-based): chr1:237,623,773, G>A. VCF-style: chr1-237623773-G-A. GRCh37 (hg19) VCF-style: chr1-237787073-G-A.
Other names: c.5925G>A, p.Met1975Ile (LRG_402t1); short protein forms M1975I.
Identifiers: ClinVar variation 404228 (VCV000404228.10), dbSNP rs1060500165, ClinGen allele CA16610074.

ClinVar aggregate classification (germline): Uncertain significance (1 of 4 stars; one submission).

Conditions:
Catecholaminergic polymorphic ventricular tachycardia 1. Also called: VENTRICULAR TACHYCARDIA, CATECHOLAMINERGIC POLYMORPHIC, 1, WITH OR WITHOUT ATRIAL DYSFUNCTION AND/OR DILATED CARDIOMYOPATHY; RYR2-Related Catecholaminergic Polymorphic Ventricular Tachycardia; VENTRICULAR TACHYCARDIA, STRESS-INDUCED POLYMORPHIC 1. Identifiers: Orphanet 3286, MedGen C1631597, MONDO:0011484, OMIM 604772.

Submission:

Labcorp Genetics (formerly Invitae), Labcorp
Classification: Uncertain significance for Catecholaminergic polymorphic ventricular tachycardia 1. Last evaluated: 2016-05-22. Review status: criteria provided, single submitter. Criteria: Invitae Variant Classification Sherloc (09022015). Collection method: clinical testing. Allele origin: germline.
Comment: Algorithms developed to predict the effect of missense changes on protein structure and function (SIFT, PolyPhen-2, Align-GVGD) all suggest that this variant is likely to be tolerated, but these predictions have not been confirmed by published functional studies. In summary, this variant is a novel missense change that is not predicted to affect protein function. There is no indication that it causes disease, but the available evidence is currently insufficient to prove that conclusively. Therefore, it has been classified as a Variant of Uncertain Significance. This variant is not present in population databases (ExAC no frequency) and has not been reported in the literature in individuals with a RYR2-related disease. This sequence change replaces methionine with isoleucine at codon 1975 of the RYR2 protein (p.Met1975Ile). The methionine residue is highly conserved and there is a small physicochemical difference between methionine and isoleucine.